The following is an entry in ClinVar:

ClinVar aggregate classification (germline): Likely pathogenic. Review status: criteria provided, multiple submitters, no conflicts (2 of 4 stars). 2 submissions from 2 submitters: Likely pathogenic (2). Last evaluated 2026-09-14.

Conditions:
Adams-Oliver syndrome 5 (AOS5). Identifiers: Orphanet 974, MedGen C4014970, MONDO:0014459, OMIM 616028.
Fetal anomalies with a likely genetic cause.

Submissions (2):

Genetics Laboratory, Great Ormond Street Hospital NHS Foundation Trust, North Thames Genomic Laboratory Hub
Classification: Likely pathogenic for Fetal anomalies with a likely genetic cause. Last evaluated: 2026-09-14. Review status: criteria provided, single submitter. Criteria: ACGS Best Practice Guidelines for Variant Classification in Rare Disease 2024 v1.2. Collection method: clinical testing. Allele origin: germline. Affected: yes.
Comment: PM2_moderate, PVS1_strong

KardioGenetik, Herz- und Diabeteszentrum NRW
Classification: Likely pathogenic for Adams-Oliver syndrome 5. Last evaluated: 2026-04-28. Review status: criteria provided, single submitter. Criteria: ACMG Guidelines, 2015. Collection method: clinical testing. Allele origin: unknown. Observed: 1 variant allele.

NM_017617.5(NOTCH1):c.7455del (p.Ser2486fs)

Gene: NOTCH1 (notch receptor 1; minus strand). Cytogenetic location: 9q34.3.
Variant type: Deletion.
Coding change: c.7455del on transcript NM_017617.5 (MANE Select); coding-DNA position 7455, one base deleted (C; older notation c.7455delC).
Protein change: p.Ser2486fs; shifts the reading frame from serine 2486.
Molecular consequence: frameshift variant.
Genome position (GRCh38, 1-based): chr9:136,496,284, G deleted on the plus strand (C on the coding strand, the reverse complement: NOTCH1 is on the minus strand); the first of 6 consecutive G bases (chr9:136,496,284-136,496,289); deleting any one gives the same sequence. VCF-style (leftmost placement, unchanged base first): chr9-136496283-AG-A. GRCh37 (hg19) VCF-style: chr9-139390735-AG-A.
Other names: short protein forms S2486fs.
Identifiers: ClinVar variation 4850109 (VCV004850109.2).